The following is an entry in ClinVar:

NM_003873.7(NRP1):c.194A>G (p.Gln65Arg)

Gene: NRP1 (neuropilin 1; minus strand). Cytogenetic location: 10p11.22.
Variant type: single nucleotide variant.
Coding change: c.194A>G on transcript NM_003873.7 (MANE Select); coding-DNA position 194, A replaced by G.
Protein change: p.Gln65Arg; replaces glutamine 65 with arginine.
Molecular consequence: missense variant. On other transcripts: non-coding transcript variant (1).
Genome position (GRCh38, 1-based): chr10:33,330,762, T>C on the plus strand (A>G on the coding strand, the complement: NRP1 is on the minus strand). VCF-style: chr10-33330762-T-C. GRCh37 (hg19) VCF-style: chr10-33619690-T-C.
Other names: c.194A>G, p.Gln65Arg (NM_001024628.3, NM_001024629.3, NM_001244972.2 and 2 more transcripts); short protein forms Q65R.
Identifiers: ClinVar variation 2208895 (VCV002208895.4), dbSNP rs371886197, ClinGen allele CA5467022.
Genomic context (GRCh38, chr10:33,330,762, plus strand): 5'-ACTTACTTGCAGTCTCTGTCCTCCAAATCGAAGTGAGGGTTGAAGTTGATCATAATTCTC[T>C]GGTATGGGTCCGGAGCCTGAATCAGCCATTCGCATTTTTCACTTGGGTGATAAGAATGAG-3'
Protein context (NP_003864.5, residues 55-75): EWLIQAPDPY[Gln65Arg]RIMINFNPHF

ClinVar aggregate classification (germline): Uncertain significance. Review status: criteria provided, single submitter (1 of 4 stars). 2 submissions from 2 submitters: Uncertain significance (1). 1 of the submissions does not count toward it. Last evaluated 2021-08-17.

Conditions:
NRP1-related disorder. Also called: NRP1-related condition.

Allele frequency attached by ClinVar (database versions not stated): ExAC 0.00003; gnomAD 0.00008; gnomAD exomes 0.00008; TOPMed 0.00008.
gnomAD v4.1: 129 of 1,613,756 alleles (0.008%); highest among the groups gnomAD compares: Non-Finnish European, 0.01%; no homozygotes.

Submissions (2):

Ambry Genetics
Classification: Uncertain significance. Last evaluated: 2021-08-17. Review status: criteria provided, single submitter. Criteria: Ambry Variant Classification Scheme 2023. Collection method: clinical testing. Allele origin: germline.

PreventionGenetics, part of Exact Sciences
Classification: Uncertain significance for NRP1-related condition. Last evaluated: 2024-09-12. Review status: no assertion criteria provided. Collection method: clinical testing. Allele origin: germline. Not counted in ClinVar's aggregate classification.
Comment: The NRP1 c.194A>G variant is predicted to result in the amino acid substitution p.Gln65Arg. To our knowledge, this variant has not been reported in the literature. This variant is reported in 0.0093% of alleles in individuals of European (Non-Finnish) descent in gnomAD. At this time, the clinical significance of this variant is uncertain due to the absence of conclusive functional and genetic evidence.